The following is an entry in ClinVar:

ClinVar aggregate classification (germline): Uncertain significance (1 of 4 stars; one submission).

Submission:

Ambry Genetics
Classification: Uncertain significance. Last evaluated: 2021-10-06. Review status: criteria provided, single submitter. Criteria: Ambry Variant Classification Scheme 2023. Collection method: clinical testing. Allele origin: germline.
Comment: The p.E557Q variant (also known as c.1669G>C), located in coding exon 15 of the RAD54L gene, results from a G to C substitution at nucleotide position 1669. The glutamic acid at codon 557 is replaced by glutamine, an amino acid with highly similar properties. This amino acid position is conserved. In addition, the in silico prediction for this alteration is inconclusive. Since supporting evidence is limited at this time, the clinical significance of this alteration remains unclear.

NM_003579.4(RAD54L):c.1669G>C (p.Glu557Gln)

Gene: RAD54L (RAD54 like; plus strand). Cytogenetic location: 1p34.1.
Variant type: single nucleotide variant.
Coding change: c.1669G>C on transcript NM_003579.4 (MANE Select); coding-DNA position 1669, G replaced by C.
Protein change: p.Glu557Gln; replaces glutamic acid 557 with glutamine.
Molecular consequence: missense variant.
Genome position (GRCh38, 1-based): chr1:46,274,196, G>C. VCF-style: chr1-46274196-G-C. GRCh37 (hg19) VCF-style: chr1-46739868-G-C.
Other names: c.1669G>C, p.Glu557Gln (NM_001142548.2); c.1129G>C, p.Glu377Gln (NM_001370766.1); short protein forms E557Q, E377Q.
Identifiers: ClinVar variation 1777637 (VCV001777637.2), dbSNP rs2525716146, ClinGen allele CA340183627.